The following is an entry in ClinVar:

ClinVar aggregate classification (germline): Uncertain significance (1 of 4 stars; one submission).

Submission:

GeneDx
Classification: Uncertain significance. Last evaluated: 2022-08-23. Review status: criteria provided, single submitter. Criteria: GeneDx Variant Classification Process June 2021. Collection method: clinical testing. Allele origin: germline. Affected: yes.
Comment: Not observed at significant frequency in large population cohorts (gnomAD); In silico analysis supports that this missense variant does not alter protein structure/function; Has not been previously published as pathogenic or benign to our knowledge

NM_018896.5(CACNA1G):c.1576G>A (p.Ala526Thr)

Gene: CACNA1G (calcium voltage-gated channel subunit alpha1 G; plus strand). Cytogenetic location: 17q21.33.
Variant type: single nucleotide variant.
Coding change: c.1576G>A on transcript NM_018896.5 (MANE Select); coding-DNA position 1576, G replaced by A.
Protein change: p.Ala526Thr; replaces alanine 526 with threonine.
Molecular consequence: missense variant. On other transcripts: non-coding transcript variant (5).
Genome position (GRCh38, 1-based): chr17:50,575,978, G>A. VCF-style: chr17-50575978-G-A. GRCh37 (hg19) VCF-style: chr17-48653339-G-A.
Other names: c.1576G>A, p.Ala526Thr (NM_001256324.2, NM_001256325.2, NM_001256326.2 and 24 more transcripts); short protein forms A526T.
Identifiers: ClinVar variation 2430403 (VCV002430403.1), dbSNP rs2544867363, ClinGen allele CA400237981.